The following is an entry in ClinVar:

NM_001367624.2(ZNF469):c.467C>G (p.Pro156Arg)

Gene: ZNF469 (zinc finger protein 469; plus strand). Cytogenetic location: 16q24.2.
Variant type: single nucleotide variant.
Coding change: c.467C>G on transcript NM_001367624.2 (MANE Select); coding-DNA position 467, C replaced by G.
Protein change: p.Pro156Arg; replaces proline 156 with arginine.
Molecular consequence: missense variant.
Genome position (GRCh38, 1-based): chr16:88,427,937, C>G. VCF-style: chr16-88427937-C-G. GRCh37 (hg19) VCF-style: chr16-88494345-C-G.
Other names: short protein forms P156R.
Identifiers: ClinVar variation 4853124 (VCV004853124.1).

ClinVar aggregate classification (germline): Uncertain significance (1 of 4 stars; one submission).

Submission:

Women's Health and Genetics/Laboratory Corporation of America, LabCorp
Classification: Uncertain significance. Last evaluated: 2026-05-13. Review status: criteria provided, single submitter. Criteria: LabCorp Variant Classification Summary - May 2015. Collection method: clinical testing. Allele origin: germline.
Comment: Variant summary: ZNF469 c.467C>G (p.Pro156Arg) results in a non-conservative amino acid change in the encoded protein sequence. Algorithms developed to predict the effect of missense changes on protein structure and function are either unavailable or do not agree on the potential impact of this missense change. The variant was absent in 146208 control chromosomes. The available data on variant occurrences in the general population are insufficient to allow any conclusion about variant significance. To our knowledge, no occurrence of c.467C>G in individuals affected with ZNF469-related conditions and no experimental evidence demonstrating its impact on protein function have been reported. No submitters have cited clinical-significance assessments for this variant to ClinVar. Based on the evidence outlined above, the variant was classified as uncertain significance.